The following is an entry in ClinVar:

ClinVar aggregate classification (germline): Uncertain significance (1 of 4 stars; one submission).

Conditions:
Norman-Roberts syndrome (LIS2). Also called: Lissencephaly 2 (Norman-Roberts type). Identifiers: Orphanet 89844, MedGen C0796089, MONDO:0009760, OMIM 257320.
Familial temporal lobe epilepsy 7. Identifiers: Orphanet 101046, MedGen C4225327, MONDO:0014639, OMIM 616436.

Allele frequency attached by ClinVar (database versions not stated): gnomAD 0.00001; gnomAD exomes 0.00002 and 0.00003; TOPMed 0.00002; ExAC 0.00003.
gnomAD v4.1: 47 of 1,614,080 alleles (0.0029%); highest among the groups gnomAD compares: Non-Finnish European, 0.0037%; no homozygotes.

Submission:

Labcorp Genetics (formerly Invitae), Labcorp
Classification: Uncertain significance for Familial temporal lobe epilepsy 7; Norman-Roberts syndrome. Last evaluated: 2025-03-03. Review status: criteria provided, single submitter. Criteria: Invitae Variant Classification Sherloc (09022015). Collection method: clinical testing. Allele origin: germline.
Comment: This sequence change replaces asparagine, which is neutral and polar, with serine, which is neutral and polar, at codon 3411 of the RELN protein (p.Asn3411Ser). This variant is present in population databases (rs747044548, gnomAD 0.005%). This variant has not been reported in the literature in individuals affected with RELN-related conditions. ClinVar contains an entry for this variant (Variation ID: 968994). Invitae Evidence Modeling of protein sequence and biophysical properties (such as structural, functional, and spatial information, amino acid conservation, physicochemical variation, residue mobility, and thermodynamic stability) indicates that this missense variant is not expected to disrupt RELN protein function with a negative predictive value of 80%. In summary, the available evidence is currently insufficient to determine the role of this variant in disease. Therefore, it has been classified as a Variant of Uncertain Significance.

NM_005045.4(RELN):c.10232A>G (p.Asn3411Ser)

Genes: RELN (reelin; minus strand), SLC26A5-AS1 (SLC26A5 antisense RNA 1; plus strand). Cytogenetic location: 7q22.1.
Variant type: single nucleotide variant.
Coding change: c.10232A>G on transcript NM_005045.4 (MANE Select); coding-DNA position 10232, A replaced by G.
Protein change: p.Asn3411Ser; replaces asparagine 3411 with serine.
Molecular consequence: missense variant.
Genome position (GRCh38, 1-based): chr7:103,482,921, T>C on the plus strand (A>G on the coding strand, the complement: RELN is on the minus strand). VCF-style: chr7-103482921-T-C. GRCh37 (hg19) VCF-style: chr7-103123368-T-C.
Other names: c.10232A>G, p.Asn3411Ser (NM_173054.3); short protein forms N3411S.
Identifiers: ClinVar variation 968994 (VCV000968994.8), dbSNP rs747044548, ClinGen allele CA4420009.